The following is an entry in ClinVar:

ClinVar aggregate classification (germline): Uncertain significance (1 of 4 stars; one submission).

Allele frequency attached by ClinVar (database versions not stated): 1000 Genomes Project 30x 0.00016; 1000 Genomes Project 0.00020.
gnomAD v4.1: 2 of 1,614,204 alleles (0.00012%); highest among the groups gnomAD compares: East Asian, 0.0045%; no homozygotes.

Submission:

Ambry Genetics
Classification: Uncertain significance. Last evaluated: 2023-01-18. Review status: criteria provided, single submitter. Criteria: Ambry Variant Classification Scheme 2023. Collection method: clinical testing. Allele origin: germline.
Comment: The p.C2062S variant (also known as c.6185G>C), located in coding exon 10 of the ALPK2 gene, results from a G to C substitution at nucleotide position 6185. The cysteine at codon 2062 is replaced by serine, an amino acid with dissimilar properties. This amino acid position is conserved. In addition, the in silico prediction for this alteration is inconclusive. Since supporting evidence is limited at this time, the clinical significance of this alteration remains unclear.

NM_052947.4(ALPK2):c.6185G>C (p.Cys2062Ser)

Gene: ALPK2 (alpha kinase 2; minus strand). Cytogenetic location: 18q21.31.
Variant type: single nucleotide variant.
Coding change: c.6185G>C on transcript NM_052947.4 (MANE Select); coding-DNA position 6185, G replaced by C.
Protein change: p.Cys2062Ser; replaces cysteine 2062 with serine.
Molecular consequence: missense variant.
Genome position (GRCh38, 1-based): chr18:58,503,993, C>G on the plus strand (G>C on the coding strand, the complement: ALPK2 is on the minus strand). VCF-style: chr18-58503993-C-G. GRCh37 (hg19) VCF-style: chr18-56171225-C-G.
Other names: short protein forms C2062S.
Identifiers: ClinVar variation 2497248 (VCV002497248.2), dbSNP rs200818664, ClinGen allele CA300899564.